The following is an entry in ClinVar:

ClinVar aggregate classification (germline): Pathogenic (1 of 4 stars; one submission).

Conditions:
Charcot-Marie-Tooth disease axonal type 2S. Also called: CHARCOT-MARIE-TOOTH DISEASE, AXONAL, AUTOSOMAL RECESSIVE, TYPE 2S; CHARCOT-MARIE-TOOTH NEUROPATHY, TYPE 2S. Identifiers: Orphanet 443073, MedGen C4015349, MONDO:0014511, OMIM 616155.
Autosomal recessive distal spinal muscular atrophy 1. Also called: HMN VI; NEURONOPATHY, SEVERE INFANTILE AXONAL, WITH RESPIRATORY FAILURE; SEVERE INFANTILE AXONAL NEUROPATHY WITH RESPIRATORY FAILURE; SPINAL MUSCULAR ATROPHY, DIAPHRAGMATIC; Spinal muscular atrophy with respiratory distress 1; NEURONOPATHY, DISTAL HEREDITARY MOTOR, HARDING TYPE VI. Identifiers: Orphanet 98920, MedGen C1858517, MONDO:0011436, OMIM 604320.

Submission:

Labcorp Genetics (formerly Invitae), Labcorp
Classification: Pathogenic for Autosomal recessive distal spinal muscular atrophy 1; Charcot-Marie-Tooth disease axonal type 2S. Last evaluated: 2024-02-16. Review status: criteria provided, single submitter. Criteria: Invitae Variant Classification Sherloc (09022015). Collection method: clinical testing. Allele origin: germline.
Comment: This sequence change creates a premature translational stop signal (p.Tyr651Phefs*3) in the IGHMBP2 gene. It is expected to result in an absent or disrupted protein product. Loss-of-function variants in IGHMBP2 are known to be pathogenic (PMID: 14681881, 25439726, 25568292). This variant is not present in population databases (gnomAD no frequency). This variant has not been reported in the literature in individuals affected with IGHMBP2-related conditions. For these reasons, this variant has been classified as Pathogenic.

Literature cited by the submitters: PubMed 14681881; PubMed 25439726; PubMed 25568292.

NM_002180.3(IGHMBP2):c.1952_1953del (p.Tyr651fs)

Gene: IGHMBP2 (immunoglobulin mu DNA binding protein 2; plus strand). Cytogenetic location: 11q13.3.
Variant type: Deletion.
Coding change: c.1952_1953del on transcript NM_002180.3 (MANE Select); coding-DNA positions 1952 to 1953, 2 bases deleted (AT; older notation c.1952_1953delAT).
Protein change: p.Tyr651fs; shifts the reading frame from tyrosine 651.
Molecular consequence: frameshift variant.
Genome position (GRCh38, 1-based): chr11:68,936,432-68,936,433, AT deleted; deleting any 2 consecutive bases within chr11:68,936,431-68,936,433 gives the same sequence; the c. name uses the placement nearest the transcript's 3' end. VCF-style (leftmost placement, unchanged base first): chr11-68936430-CTA-C. GRCh37 (hg19) VCF-style: chr11-68703898-CTA-C.
Other names: short protein forms Y651fs.
Identifiers: ClinVar variation 3754694 (VCV003754694.2).